The following is an entry in ClinVar:

NM_001903.5(CTNNA1):c.292C>A (p.Arg98=)

Gene: CTNNA1 (catenin alpha 1; plus strand). Cytogenetic location: 5q31.2.
Variant type: single nucleotide variant.
Coding change: c.292C>A on transcript NM_001903.5 (MANE Select); coding-DNA position 292, C replaced by A.
Protein change: p.Arg98=; no amino-acid change (arginine 98 retained).
Molecular consequence: synonymous variant. On other transcripts: intron variant (2).
Genome position (GRCh38, 1-based): chr5:138,783,363, C>A. VCF-style: chr5-138783363-C-A. GRCh37 (hg19) VCF-style: chr5-138119052-C-A.
Other names: c.292C>A (NM_001903.2); c.292C>A, p.Arg98= (NM_001290307.3, NM_001323982.2, NM_001323983.1 and 3 more transcripts); c.-6+91C>A (NM_001290310.3); c.-9+1334C>A (NM_001290309.3).
Identifiers: ClinVar variation 1138219 (VCV001138219.12), dbSNP rs773235871, ClinGen allele CA446725175.

ClinVar aggregate classification (germline): Benign/Likely benign. Review status: criteria provided, multiple submitters, no conflicts (2 of 4 stars). 3 submissions from 3 submitters: Benign (1); Likely benign (2). Last evaluated 2025-10-13.

Conditions:
Hereditary diffuse gastric adenocarcinoma (HDGC). Also called: DIFFUSE GASTRIC AND LOBULAR BREAST CANCER SYNDROME. Identifiers: Orphanet 26106, MedGen C1708349, MONDO:0007648, OMIM 137215.
Hereditary cancer-predisposing syndrome. Also called: Neoplastic Syndromes, Hereditary; Hereditary neoplastic syndrome; Tumor predisposition; Hereditary Cancer Syndrome. Identifiers: Orphanet 140162, MedGen C0027672, MeSH D009386, MONDO:0015356.

Submissions (4):

Ambry Genetics
Classification: Likely benign for Hereditary cancer-predisposing syndrome. Last evaluated: 2025-10-13. Review status: criteria provided, single submitter. Criteria: Ambry Variant Classification Scheme 2023. Collection method: clinical testing. Allele origin: germline.

Labcorp Genetics (formerly Invitae), Labcorp
Classification: Likely benign. Last evaluated: 2024-10-16. Review status: criteria provided, single submitter. Criteria: Invitae Variant Classification Sherloc (09022015). Collection method: clinical testing. Allele origin: germline.

Myriad Genetics, Inc.
Classification: Benign for Hereditary diffuse gastric adenocarcinoma. Last evaluated: 2024-10-09. Review status: criteria provided, single submitter. Criteria: Myriad Autosomal Dominant, Autosomal Recessive and X-Linked Classification Criteria (2023). Collection method: clinical testing. Allele origin: unknown.
Comment: This variant is considered benign. This variant is a silent/synonymous amino acid change and it is not expected to impact splicing.

Dr. Peter K. Rogan Lab, Western University
No classification provided (evidence only). Condition: Malignant tumor of urinary bladder. Review status: no classification provided. Collection method: in vitro. Allele origin: not applicable. Functional consequence: retained intron. Not counted in ClinVar's aggregate classification.